The following is an entry in ClinVar:

NM_004722.4(AP4M1):c.1336A>G (p.Ser446Gly)

Gene: AP4M1 (adaptor related protein complex 4 subunit mu 1; plus strand). Cytogenetic location: 7q22.1.
Variant type: single nucleotide variant.
Coding change: c.1336A>G on transcript NM_004722.4 (MANE Select); coding-DNA position 1336, A replaced by G.
Protein change: p.Ser446Gly; replaces serine 446 with glycine.
Molecular consequence: missense variant.
Genome position (GRCh38, 1-based): chr7:100,106,856, A>G. VCF-style: chr7-100106856-A-G. GRCh37 (hg19) VCF-style: chr7-99704479-A-G.
Other names: c.1357A>G, p.Ser453Gly (NM_001363671.2); short protein forms S446G, S453G.
Identifiers: ClinVar variation 2754453 (VCV002754453.3), dbSNP rs762192859, ClinGen allele CA4375070.

ClinVar aggregate classification (germline): Uncertain significance (1 of 4 stars; one submission).

Conditions:
Hereditary spastic paraplegia 50 (SPG50). Also called: Spastic paraplegia 50, autosomal recessive. Identifiers: Orphanet 280763, MedGen C2752008, MONDO:0013048, OMIM 612936.

Allele frequency attached by ClinVar (database versions not stated): gnomAD exomes below 0.00001; TOPMed below 0.00001; ExAC 0.00001.
gnomAD v4.1: 2 of 1,613,666 alleles (0.00012%); highest among the groups gnomAD compares: Admixed American, 0.0033%; no homozygotes.

Submission:

Labcorp Genetics (formerly Invitae), Labcorp
Classification: Uncertain significance for Hereditary spastic paraplegia 50. Last evaluated: 2023-12-21. Review status: criteria provided, single submitter. Criteria: Invitae Variant Classification Sherloc (09022015). Collection method: clinical testing. Allele origin: germline.
Comment: This sequence change replaces serine, which is neutral and polar, with glycine, which is neutral and non-polar, at codon 446 of the AP4M1 protein (p.Ser446Gly). The frequency data for this variant in the population databases is considered unreliable, as metrics indicate poor data quality at this position in the gnomAD database. This variant has not been reported in the literature in individuals affected with AP4M1-related conditions. Advanced modeling of protein sequence and biophysical properties (such as structural, functional, and spatial information, amino acid conservation, physicochemical variation, residue mobility, and thermodynamic stability) has been performed at Invitae for this missense variant, however the output from this modeling did not meet the statistical confidence thresholds required to predict the impact of this variant on AP4M1 protein function. In summary, the available evidence is currently insufficient to determine the role of this variant in disease. Therefore, it has been classified as a Variant of Uncertain Significance.